The following is an entry in ClinVar:

NM_007294.4(BRCA1):c.4358-1_4358delinsAG

Gene: BRCA1 (BRCA1 DNA repair associated; minus strand). Cytogenetic location: 17q21.31.
Variant type: Indel.
Coding change: c.4358-1_4358delinsAG on transcript NM_007294.4 (MANE Select); the canonical splice acceptor site of the intron before coding-DNA position 4358 through coding-DNA position 4358, GC replaced by AG.
Molecular consequence: splice acceptor variant. On other transcripts: intron variant (138).
Genome position (GRCh38, 1-based): chr17:43,076,614-43,076,615, GC replaced by CT on the plus strand (GC replaced by AG on the coding strand, the reverse complement: BRCA1 is on the minus strand). VCF-style: chr17-43076614-GC-CT. GRCh37 (hg19) VCF-style: chr17-41228631-GC-CT.
Other names: c.848-1_848delinsAG (NM_001408474.1); c.4157-1_4157delinsAG (NM_001407862.1); c.1037-1_1037delinsAG (NM_001408409.1); c.4277-4_4277-3delinsAG (NM_001407663.1, NM_001407661.1, NM_001407662.1); c.4280-4_4280-3delinsAG (NM_001407658.1, NM_001407657.1); c.4280-1_4280delinsAG (NM_001407653.1, NM_001407654.1, NM_001407655.1); c.4022-4_4022-3delinsAG (NM_001407958.1, NM_001407957.1); c.4022-1_4022delinsAG (NM_001407955.1, NM_001407953.1, NM_001407954.1 and 1 more transcripts); and 98 more.
Identifiers: ClinVar variation 4867697 (VCV004867697.1).

ClinVar aggregate classification (germline): Uncertain significance (1 of 4 stars; one submission).

Conditions:
Hereditary cancer-predisposing syndrome. Also called: Neoplastic Syndromes, Hereditary; Tumor predisposition; Hereditary Cancer Syndrome; Hereditary neoplastic syndrome. Identifiers: Orphanet 140162, MedGen C0027672, MeSH D009386, MONDO:0015356.

Submission:

Ambry Genetics
Classification: Uncertain significance for Hereditary cancer-predisposing syndrome. Last evaluated: 2026-03-18. Review status: criteria provided, single submitter. Criteria: Ambry Variant Classification Scheme 2023. Collection method: clinical testing. Allele origin: germline.
Comment: The c.4358-1_4358delGCinsAG variant results from a deletion of two nucleotides and insertion of two nucleotides at positions c.4358-1 to c.4358 and involves the canonical splice acceptor site before coding exon 12 of the BRCA2 gene. The canonical splice acceptor site is highly conserved in available vertebrate species. In silico splice site analysis predicts that this alteration will weaken the native splice acceptor site and will result in the creation or strengthening of a novel splice acceptor site; however, direct evidence is insufficient at this time (Ambry internal data). This acceptor site uses a naturally occurring, alternate acceptor site 3 nucleotides downstream of the native site, producing a transcript that is predicted to result in the in-frame loss of a single amino acid at the beginning of coding exon 12 (This transcript is also called &Delta;14p in some literature, e.g. Colombo M et al. Hum Mol Genet, 2014 Jul;23:3666-80). The clinical impact of alterations impacting this acceptor site is not clear. Based on the available evidence, the clinical significance of this variant remains unclear.